The following is an entry in ClinVar:

ClinVar aggregate classification (germline): Uncertain significance (1 of 4 stars; one submission).

Conditions:
Dilated cardiomyopathy 1DD (CMD1DD). Identifiers: Orphanet 154, MedGen C2750995, MONDO:0013168, OMIM 613172.

Submission:

Labcorp Genetics (formerly Invitae), Labcorp
Classification: Uncertain significance for Dilated cardiomyopathy 1DD. Last evaluated: 2021-04-03. Review status: criteria provided, single submitter. Criteria: Invitae Variant Classification Sherloc (09022015). Collection method: clinical testing. Allele origin: germline.
Comment: This variant has not been reported in the literature in individuals with RBM20-related conditions. Nucleotide substitutions within the consensus splice site are a relatively common cause of aberrant splicing (PMID: 17576681, 9536098). Algorithms developed to predict the effect of sequence changes on RNA splicing suggest that this variant may disrupt the consensus splice site, but this prediction has not been confirmed by published transcriptional studies. This variant is not present in population databases (ExAC no frequency). This sequence change falls in intron 12 of the RBM20 gene. It does not directly change the encoded amino acid sequence of the RBM20 protein. It affects a nucleotide within the consensus splice site of the intron. In summary, the available evidence is currently insufficient to determine the role of this variant in disease. Therefore, it has been classified as a Variant of Uncertain Significance.

Literature cited by the submitters: PubMed 17576681; PubMed 9536098.

NM_001134363.3(RBM20):c.3451+5G>A

Gene: RBM20 (RNA binding motif protein 20; plus strand). Cytogenetic location: 10q25.2.
Variant type: single nucleotide variant.
Coding change: c.3451+5G>A on transcript NM_001134363.3 (MANE Select); 5 bases into the intron after coding-DNA position 3451, G replaced by A.
Molecular consequence: intron variant.
Genome position (GRCh38, 1-based): chr10:110,823,619, G>A. VCF-style: chr10-110823619-G-A. GRCh37 (hg19) VCF-style: chr10-112583377-G-A.
Identifiers: ClinVar variation 1397754 (VCV001397754.6), dbSNP rs2135126064, ClinGen allele CA2573145575.